The following is an entry in ClinVar:

NM_000426.4(LAMA2):c.6911del (p.Gly2304fs)

Gene: LAMA2 (laminin subunit alpha 2; plus strand). Cytogenetic location: 6q22.33.
Variant type: Deletion.
Coding change: c.6911del on transcript NM_000426.4 (MANE Select); coding-DNA position 6911, one base deleted (G; older notation c.6911delG).
Protein change: p.Gly2304fs; shifts the reading frame from glycine 2304.
Molecular consequence: frameshift variant.
Genome position (GRCh38, 1-based): chr6:129,460,243, G deleted; the last of 3 consecutive G bases (chr6:129,460,241-129,460,243); deleting any one gives the same sequence. VCF-style (leftmost placement, unchanged base first): chr6-129460240-TG-T. GRCh37 (hg19) VCF-style: chr6-129781385-TG-T.
Other names: c.6911del, p.Gly2304fs (NM_001079823.2); short protein forms G2304fs.
Identifiers: ClinVar variation 5014516 (VCV005014516.1).

ClinVar aggregate classification (germline): Pathogenic (1 of 4 stars; one submission).

Conditions:
LAMA2-related muscular dystrophy (LAMA2-RD). Also called: Laminin alpha 2-related dystrophy. Identifiers: MedGen C5679788, MONDO:0100228.

Submission:

Myriad Genetics, Inc.
Classification: Pathogenic for LAMA2-related muscular dystrophy. Last evaluated: 2025-05-24. Review status: criteria provided, single submitter. Criteria: Myriad Autosomal Dominant, Autosomal Recessive and X-Linked Classification Criteria (2023). Collection method: clinical testing. Allele origin: unknown.
Comment: NM_000426.3(LAMA2):c.6911delG(G2304Efs*10) is expected to be pathogenic in the context of muscular dystrophy, LAMA2-related. This variant is predicted to lead to an abnormal or absent protein product due to the creation of a premature termination codon in LAMA2, a gene where loss-of-function variants are known to be pathogenic. Please note: this variant was assessed in the context of healthy population screening.